The following is an entry in ClinVar:

NC_012920.1(MT-ATP6):m.9029A>G

Gene: MT-ATP6 (mitochondrially encoded ATP synthase 6; plus strand).
Variant type: single nucleotide variant.
Genome position: chrM-9029-A-G.
Identifiers: ClinVar variation 693060 (VCV000693060.1), dbSNP rs1603221991, ClinGen allele CA414801930.

ClinVar aggregate classification (germline): Uncertain significance (1 of 4 stars; one submission).

Conditions:
Leigh syndrome (NULS). Also called: Leigh's necrotizing encephalopathy; Leigh's disease; Leigh Syndrome (mtDNA deletion); Leigh Disease; Subacute necrotizing encephalopathy; Necrotizing encephalopathy infantile subacute of Leigh. Identifiers: Orphanet 506, MedGen C2931891, MONDO:0009723, OMIM 256000.

Submission:

Wong Mito Lab, Molecular and Human Genetics, Baylor College of Medicine
Classification: Uncertain significance for Leigh syndrome. Last evaluated: 2019-10-17. Review status: criteria provided, single submitter. Criteria: Modified ACMG Guidelines (Unpublished). Collection method: clinical testing. Allele origin: germline.
Comment: The NC_012920.1:m.9029A>G (YP_003024031.1:p.His168Arg) variant in MTATP6 gene is interpretated to be a Uncertain Significance variant based on the modified ACMG guidelines (unpublished). This variant meets the following evidence codes: PM9, PM10, PP3, PP4, BS4

Literature cited by the submitters: PubMed 24986921.